The following is an entry in ClinVar:

ClinVar aggregate classification (germline): Uncertain significance. Review status: criteria provided, multiple submitters, no conflicts (2 of 4 stars). 4 submissions from 4 submitters: Uncertain significance (4). Last evaluated 2024-11-14.

Conditions:
Astroblastoma, MN1-altered. Identifiers: MedGen CN372129, MONDO:0850349.
Isolated focal cortical dysplasia type II (FCORD2). Also called: Focal cortical dysplasia type II; CORTICAL DYSPLASIA OF TAYLOR. Identifiers: Orphanet 268994, MedGen C1846385, MONDO:0011818, OMIM 607341, HP:0032051.
Tuberous sclerosis 2 (TSC2). Identifiers: Orphanet 805, MedGen C1860707, MONDO:0013199, OMIM 613254.
Hereditary cancer-predisposing syndrome. Also called: Hereditary Cancer Syndrome; Tumor predisposition; Neoplastic Syndromes, Hereditary; Hereditary neoplastic syndrome. Identifiers: Orphanet 140162, MedGen C0027672, MeSH D009386, MONDO:0015356.

Allele frequency attached by ClinVar (database versions not stated): gnomAD exomes below 0.00001.
gnomAD v4.1: 2 of 1,612,908 alleles (0.00012%); highest among the groups gnomAD compares: Non-Finnish European, 0.00017%; no homozygotes.

Submissions (4):

Ambry Genetics
Classification: Uncertain significance for Hereditary cancer-predisposing syndrome. Last evaluated: 2024-11-14. Review status: criteria provided, single submitter. Criteria: Ambry Variant Classification Scheme 2023. Collection method: clinical testing. Allele origin: germline.
Comment: The p.A1712T variant (also known as c.5134G>A), located in coding exon 39 of the TSC2 gene, results from a G to A substitution at nucleotide position 5134. The alanine at codon 1712 is replaced by threonine, an amino acid with similar properties. This amino acid position is conserved. In addition, this alteration is predicted to be deleterious by in silico analysis. Based on the available evidence, the clinical significance of this variant remains unclear.

Labcorp Genetics (formerly Invitae), Labcorp
Classification: Uncertain significance for Tuberous sclerosis 2. Last evaluated: 2024-09-22. Review status: criteria provided, single submitter. Criteria: Invitae Variant Classification Sherloc (09022015). Collection method: clinical testing. Allele origin: germline.
Comment: This sequence change replaces alanine, which is neutral and non-polar, with threonine, which is neutral and polar, at codon 1712 of the TSC2 protein (p.Ala1712Thr). This variant is not present in population databases (gnomAD no frequency). This variant has not been reported in the literature in individuals affected with TSC2-related conditions. ClinVar contains an entry for this variant (Variation ID: 647482). Invitae Evidence Modeling of protein sequence and biophysical properties (such as structural, functional, and spatial information, amino acid conservation, physicochemical variation, residue mobility, and thermodynamic stability) indicates that this missense variant is not expected to disrupt TSC2 protein function with a negative predictive value of 95%. In summary, the available evidence is currently insufficient to determine the role of this variant in disease. Therefore, it has been classified as a Variant of Uncertain Significance.

Baylor Genetics
Classification: Uncertain significance for Isolated focal cortical dysplasia type II. Last evaluated: 2023-12-22. Review status: criteria provided, single submitter. Criteria: ACMG Guidelines, 2015. Collection method: clinical testing. Allele origin: unknown.

Laboratory of Medical Genetics Unit, Bambino Gesù Children's Hospital
Classification: Uncertain significance for Astroblastoma, MN1-altered. Last evaluated: 2022-03-30. Review status: criteria provided, single submitter. Criteria: ACMG Guidelines, 2015. Collection method: research. Allele origin: maternal. Affected: yes. Observed: 1 heterozygote.

NM_000548.5(TSC2):c.5134G>A (p.Ala1712Thr)

Gene: TSC2 (TSC complex subunit 2; plus strand). Cytogenetic location: 16p13.3.
Variant type: single nucleotide variant.
Coding change: c.5134G>A on transcript NM_000548.5 (MANE Select); coding-DNA position 5134, G replaced by A.
Protein change: p.Ala1712Thr; replaces alanine 1712 with threonine.
Molecular consequence: missense variant.
Genome position (GRCh38, 1-based): chr16:2,088,113, G>A. VCF-style: chr16-2088113-G-A. GRCh37 (hg19) VCF-style: chr16-2138114-G-A.
Other names: c.5134G>A (NM_000548.4); c.4933G>A, p.Ala1645Thr (NM_001077183.3); c.5065G>A, p.Ala1689Thr (NM_001114382.3); c.4825G>A, p.Ala1609Thr (NM_001318827.2); c.4789G>A, p.Ala1597Thr (NM_001318829.2); c.4402G>A, p.Ala1468Thr (NM_001318831.2); c.4966G>A, p.Ala1656Thr (NM_001318832.2); c.4936G>A, p.Ala1646Thr (NM_001363528.2); and 2 more; short protein forms A1468T, A1645T, A1668T, A1609T, A1646T, A1656T, A1597T, A1712T.
Identifiers: ClinVar variation 647482 (VCV000647482.13), dbSNP rs1596457926, ClinGen allele CA394312476.